The following is an entry in ClinVar:

ClinVar aggregate classification (germline): Uncertain significance (1 of 4 stars; one submission).

Conditions:
Infantile myofibromatosis (IMF). Also called: Congenital generalized fibromatosis. Identifiers: Orphanet 2591, MedGen C0432284, MONDO:0016824.
Skeletal overgrowth-craniofacial dysmorphism-hyperelastic skin-white matter lesions syndrome. Also called: SKELETAL OVERGROWTH WITH FACIAL DYSMORPHISM, HYPERELASTIC SKIN, WHITE MATTER LESIONS, AND NEUROLOGIC DETERIORATION; Kosaki overgrowth syndrome. Identifiers: Orphanet 477831, MedGen C4225270, MONDO:0014704, OMIM 616592.
Acroosteolysis-keloid-like lesions-premature aging syndrome. Also called: Premature aging syndrome, Penttinen type; Prematurely aged appearance, delayed bone maturation, acro-osteolysis, and brachydactyly; Progeroid syndrome, Penttinen type. Identifiers: Orphanet 363665, MedGen C1866182, MONDO:0011150, OMIM 601812.
Basal ganglia calcification, idiopathic, 4 (PFBC4). Also called: Familial Idiopathic Basal Ganglia Calcification 4; PRIMARY FAMILIAL BRAIN CALCIFICATION 4, AUTOSOMAL DOMINANT. Identifiers: Orphanet 1980, MedGen C3554321, MONDO:0014004, OMIM 615007.

Allele frequency attached by ClinVar (database versions not stated): TOPMed 0.00002.

Submission:

Labcorp Genetics (formerly Invitae), Labcorp
Classification: Uncertain significance for Basal ganglia calcification, idiopathic, 4; Skeletal overgrowth-craniofacial dysmorphism-hyperelastic skin-white matter lesions syndrome; Infantile myofibromatosis; Acroosteolysis-keloid-like lesions-premature aging syndrome. Last evaluated: 2023-07-14. Review status: criteria provided, single submitter. Criteria: Invitae Variant Classification Sherloc (09022015). Collection method: clinical testing. Allele origin: germline.
Comment: In summary, the available evidence is currently insufficient to determine the role of this variant in disease. Therefore, it has been classified as a Variant of Uncertain Significance. Advanced modeling of protein sequence and biophysical properties (such as structural, functional, and spatial information, amino acid conservation, physicochemical variation, residue mobility, and thermodynamic stability) performed at Invitae indicates that this missense variant is not expected to disrupt PDGFRB protein function. This variant has not been reported in the literature in individuals affected with PDGFRB-related conditions. This variant is present in population databases (rs771835513, gnomAD 0.007%). This sequence change replaces threonine, which is neutral and polar, with methionine, which is neutral and non-polar, at codon 592 of the PDGFRB protein (p.Thr592Met).

NM_002609.4(PDGFRB):c.1775C>T (p.Thr592Met)

Gene: PDGFRB (platelet derived growth factor receptor beta; minus strand). Cytogenetic location: 5q32.
Variant type: single nucleotide variant.
Coding change: c.1775C>T on transcript NM_002609.4 (MANE Select); coding-DNA position 1775, C replaced by T.
Protein change: p.Thr592Met; replaces threonine 592 with methionine.
Molecular consequence: missense variant.
Genome position (GRCh38, 1-based): chr5:150,125,477, G>A on the plus strand (C>T on the coding strand, the complement: PDGFRB is on the minus strand). VCF-style: chr5-150125477-G-A. GRCh37 (hg19) VCF-style: chr5-149505040-G-A.
Other names: c.1583C>T, p.Thr528Met (NM_001355016.2); c.1292C>T, p.Thr431Met (NM_001355017.2); short protein forms T431M, T528M, T592M.
Identifiers: ClinVar variation 2923780 (VCV002923780.3), dbSNP rs771835513, ClinGen allele CA3507880.